The following is an entry in ClinVar:

NM_000498.3(CYP11B2):c.780G>A (p.Trp260Ter)

Genes: CYP11B2 (cytochrome P450 family 11 subfamily B member 2; minus strand), LOC106799834 (CYP11B2 recombination region; plus strand). Cytogenetic location: 8q24.3.
Variant type: single nucleotide variant.
Coding change: c.780G>A on transcript NM_000498.3 (MANE Select); coding-DNA position 780, G replaced by A.
Protein change: p.Trp260Ter; replaces tryptophan 260 with a stop codon.
Molecular consequence: nonsense.
Genome position (GRCh38, 1-based): chr8:142,914,724, C>T on the plus strand (G>A on the coding strand, the complement: CYP11B2 is on the minus strand). VCF-style: chr8-142914724-C-T. GRCh37 (hg19) VCF-style: chr8-143996140-C-T.
Other names: short protein forms W260*.
Identifiers: ClinVar variation 2674685 (VCV002674685.7), dbSNP rs1396377821, ClinGen allele CA372389126.

ClinVar aggregate classification (germline): Pathogenic/Likely pathogenic. Review status: criteria provided, multiple submitters, no conflicts (2 of 4 stars). 5 submissions from 5 submitters: Pathogenic (4); Likely pathogenic (1). Last evaluated 2025-07-31.

Conditions:
Corticosterone methyl oxidase type II deficiency.
Corticosterone 18-monooxygenase deficiency. Also called: ALDOSTERONE DEFICIENCY DUE TO DEFECT IN STEROID 18-HYDROXYLASE; ALDOSTERONE DEFICIENCY I; CMO I DEFICIENCY; STEROID 18-HYDROXYLASE DEFICIENCY; 18 Hydroxylase deficiency; Aldosterone deficiency due to defect in 18 hydroxylase. Identifiers: Orphanet 427, MedGen C0268293, MONDO:0008751, OMIM 203400. Disease mechanism: loss of function.
Corticosterone methyloxidase type 2 deficiency. Also called: 18-OXIDASE DEFICIENCY; ALDOSTERONE DEFICIENCY DUE TO DEFICIENCY OF STEROID 18-OXIDASE; ALDOSTERONE DEFICIENCY II; CMO II DEFICIENCY; STEROID 18-OXIDASE DEFICIENCY. Identifiers: Orphanet 427, MedGen C3463917, MONDO:0012524, OMIM 610600. Disease mechanism: loss of function.
CYP11B2-related disorder.

gnomAD v4.1: 6 of 1,611,140 alleles (0.00037%); highest among the groups gnomAD compares: Non-Finnish European, 0.00051%; no homozygotes.

Submissions (5):

Natera, Inc.
Classification: Pathogenic for Corticosterone methyl oxidase type II deficiency. Last evaluated: 2025-07-31. Review status: criteria provided, single submitter. Criteria: Natera Variant Classification Schema (03/2026). Collection method: clinical testing. Allele origin: germline.
Comment: The c.780G>A variant in CYP11B2 is a nonsense variant predicted to introduce a stop codon at amino acid 260. This variant is expected to result in nonsense mediated decay, truncation, or a dysfunctional protein product. This variant is rare in the general population with a frequency below the threshold expected for the associated phenotype(s). This variant has been observed in one or more individuals affected with the associated recessive disease, as either homozygous or compound heterozygous with a second variant (PMID: 20494601). Given the available evidence, this variant is classified as Pathogenic.

Dasa
Classification: Pathogenic. Last evaluated: 2025-07-03. Review status: criteria provided, single submitter. Criteria: DASA Assertion Criteria. Collection method: clinical testing. Allele origin: germline.
Comment: NM_000498.3(CYP11B2):c.780G>A (p.Trp260*) introduces a premature termination codon predicted to result in loss of normal protein function. Loss-of-function is an established mechanism of disease for this gene. This variant has been observed in affected individuals with related phenotype in a genotype context consistent with recessive disease (PMID: 20494601). This variant has been reported in individuals with related phenotype (PMID: 20494601). The variant is present at low frequency in population datasets. Based on the available data, this variant is classified as pathogenic.

Fulgent Genetics
Classification: Likely pathogenic for Corticosterone 18-monooxygenase deficiency; Corticosterone methyloxidase type 2 deficiency. Last evaluated: 2024-05-22. Review status: criteria provided, single submitter. Criteria: ACMG Guidelines, 2015. Collection method: clinical testing. Allele origin: germline.

Clinical Biochemistry Laboratory, Health Services Laboratory
Classification: Pathogenic for CYP11B2-related disorder. Last evaluated: 2023-11-20. Review status: criteria provided, single submitter. Criteria: ACMG Guidelines, 2015. Collection method: clinical testing. Allele origin: germline. Affected: yes.
Comment: ACMG:PVS1 PM2 PP3

Labcorp Genetics (formerly Invitae), Labcorp
Classification: Pathogenic. Last evaluated: 2023-09-08. Review status: criteria provided, single submitter. Criteria: Invitae Variant Classification Sherloc (09022015). Collection method: clinical testing. Allele origin: germline.
Comment: This sequence change creates a premature translational stop signal (p.Trp260*) in the CYP11B2 gene. It is expected to result in an absent or disrupted protein product. Loss-of-function variants in CYP11B2 are known to be pathogenic (PMID: 20494601, 22801770, 26936515). This variant is not present in population databases (gnomAD no frequency). This premature translational stop signal has been observed in individual(s) with aldosterone synthase deficiency type I (PMID: 20494601). For these reasons, this variant has been classified as Pathogenic.

Literature cited by the submitters: PubMed 20494601 (cited by 3 submitters); PubMed 22801770 (cited by Labcorp Genetics (formerly Invitae), Labcorp); PubMed 26936515 (cited by Labcorp Genetics (formerly Invitae), Labcorp).